The following is an entry in ClinVar:

ClinVar aggregate classification (germline): Uncertain significance (1 of 4 stars; one submission).

Conditions:
Intellectual disability. Also called: Intellectual functioning disability; intellectual disabilities; Intellectual developmental disorder. Identifiers: MedGen C3714756, MeSH D008607, MONDO:0001071, HP:0001249.

Submission:

Labcorp Genetics (formerly Invitae), Labcorp
Classification: Uncertain significance for Intellectual disability. Last evaluated: 2023-05-29. Review status: criteria provided, single submitter. Criteria: Invitae Variant Classification Sherloc (09022015). Collection method: clinical testing. Allele origin: germline.
Comment: Experimental studies and prediction algorithms are not available or were not evaluated, and the functional significance of this variant is currently unknown. This variant has not been reported in the literature in individuals affected with GABRB2-related conditions. This variant is not present in population databases (gnomAD no frequency). This sequence change creates a premature translational stop signal (p.Glu294Glyfs*5) in the GABRB2 gene. It is expected to result in an absent or disrupted protein product. However, the current clinical and genetic evidence is not sufficient to establish whether loss-of-function variants in GABRB2 cause disease. In summary, the available evidence is currently insufficient to determine the role of this variant in disease. Therefore, it has been classified as a Variant of Uncertain Significance.

NM_001371727.1(GABRB2):c.880dup (p.Glu294fs)

Gene: GABRB2 (gamma-aminobutyric acid type A receptor subunit beta2; minus strand). Cytogenetic location: 5q34.
Variant type: Duplication.
Coding change: c.880dup on transcript NM_001371727.1 (MANE Select); coding-DNA position 880, one base duplicated (G; older notation c.880dupG).
Protein change: p.Glu294fs; shifts the reading frame from glutamic acid 294.
Molecular consequence: frameshift variant.
Genome position (GRCh38, 1-based): chr5:161,331,080, C duplicated on the plus strand (G on the coding strand, the reverse complement: GABRB2 is on the minus strand); the first of 3 consecutive C bases (chr5:161,331,080-161,331,082); duplicating any one gives the same sequence. VCF-style (leftmost placement, unchanged base first): chr5-161331079-T-TC. GRCh37 (hg19) VCF-style: chr5-160758086-T-TC.
Other names: c.880dup, p.Glu294fs (NM_000813.3, NM_021911.3); short protein forms E294fs.
Identifiers: ClinVar variation 2853761 (VCV002853761.3), dbSNP rs2546555637, ClinGen allele CA2739272771.
Genomic context (GRCh38, chr5:161,331,079, plus strand): 5'-ACAAAGCACCCCATCAGGTACATGTCAATGGCCTTCACATAGGGGATTTTAGGGAGAGTT[T>TC]CCCGGAGGTGGGTGTTGATTGTGGTCATTGTGAGGACAGTTGTGATTCCTGAAAAAAAAT-3'